The following is an entry in ClinVar:

ClinVar aggregate classification (germline): Pathogenic (1 of 4 stars; one submission).

Conditions:
Hermansky-Pudlak syndrome 1 (HPS1). Also called: DELTA STORAGE POOL DISEASE. Identifiers: Orphanet 231500, Orphanet 79430, MedGen C2931875, MONDO:0008748, OMIM 203300.

Submission:

Myriad Genetics, Inc.
Classification: Pathogenic for Hermansky-Pudlak syndrome 1. Last evaluated: 2024-04-23. Review status: criteria provided, single submitter. Criteria: Myriad Autosomal Dominant, Autosomal Recessive and X-Linked Classification Criteria (2023). Collection method: clinical testing. Allele origin: unknown.
Comment: NM_000195.3(HPS1):c.1309A>T(K437*) is expected to be pathogenic in the context of Hermansky-Pudlak syndrome, HPS1-related. This variant is predicted to lead to an abnormal or absent protein product due to the creation of a premature termination codon in HPS1, a gene where loss-of-function variants are known to be pathogenic. Please note: this variant was assessed in the context of healthy population screening.

NM_000195.5(HPS1):c.1309A>T (p.Lys437Ter)

Gene: HPS1 (HPS1 biogenesis of lysosomal organelles complex 3 subunit 1; minus strand). Cytogenetic location: 10q24.2.
Variant type: single nucleotide variant.
Coding change: c.1309A>T on transcript NM_000195.5 (MANE Select); coding-DNA position 1309, A replaced by T.
Protein change: p.Lys437Ter; replaces lysine 437 with a stop codon.
Molecular consequence: nonsense.
Genome position (GRCh38, 1-based): chr10:98,425,567, T>A on the plus strand (A>T on the coding strand, the complement: HPS1 is on the minus strand). VCF-style: chr10-98425567-T-A. GRCh37 (hg19) VCF-style: chr10-100185324-T-A.
Other names: c.337A>T, p.Lys113Ter (NM_001311345.2, NM_001322487.2, NM_001322489.2); c.1309A>T, p.Lys437Ter (NM_001322476.2, NM_001322477.2); c.1210A>T, p.Lys404Ter (NM_001322478.2, NM_001322479.2); c.1048A>T, p.Lys350Ter (NM_001322480.2, NM_001322481.2); c.949A>T, p.Lys317Ter (NM_001322482.2); c.940A>T, p.Lys314Ter (NM_001322483.2, NM_001322484.2); c.841A>T, p.Lys281Ter (NM_001322485.2); short protein forms K113*, K281*, K314*, K317*, K350*, K404*, K437*.
Identifiers: ClinVar variation 5012943 (VCV005012943.1).